The following is an entry in ClinVar:

NM_001199107.2(TBC1D24):c.1321C>G (p.Arg441Gly)

Gene: TBC1D24 (TBC1 domain family member 24; plus strand). Cytogenetic location: 16p13.3.
Variant type: single nucleotide variant.
Coding change: c.1321C>G on transcript NM_001199107.2 (MANE Select); coding-DNA position 1321, C replaced by G.
Protein change: p.Arg441Gly; replaces arginine 441 with glycine.
Molecular consequence: missense variant.
Genome position (GRCh38, 1-based): chr16:2,500,286, C>G. VCF-style: chr16-2500286-C-G. GRCh37 (hg19) VCF-style: chr16-2550287-C-G.
Other names: c.1303C>G, p.Arg435Gly (NM_020705.3); short protein forms R435G, R441G.
Identifiers: ClinVar variation 654401 (VCV000654401.11), dbSNP rs775497984, ClinGen allele CA394380475.

ClinVar aggregate classification (germline): Uncertain significance (1 of 4 stars; one submission).

Conditions:
Autosomal dominant nonsyndromic hearing loss 65. Also called: Deafness, autosomal dominant 65; TBC1D24-Related Autosomal Dominant Nonsyndromic Hearing Loss (DFNA). Identifiers: Orphanet 90635, MedGen C3892048, MONDO:0014470, OMIM 616044.
Developmental and epileptic encephalopathy, 1 (DEE1). Also called: Epileptic encephalopathy, early infantile, 1; X-linked infantile spasms; West's syndrome; Tonic spasms with clustering, arrest of psychomotor development and hypsarrhythmia on EEG; X-Linked Infantile Spasm Syndrome; OHTAHARA SYNDROME, X-LINKED. Identifiers: MedGen C3463992, MONDO:0010632, OMIM 308350. Disease mechanism: loss of function.

gnomAD v4.1: 1 of 1,607,582 alleles (0.000062%); no homozygotes.

Submission:

Labcorp Genetics (formerly Invitae), Labcorp
Classification: Uncertain significance for Developmental and epileptic encephalopathy, 1; Autosomal dominant nonsyndromic hearing loss 65. Last evaluated: 2023-04-24. Review status: criteria provided, single submitter. Criteria: Invitae Variant Classification Sherloc (09022015). Collection method: clinical testing. Allele origin: germline.
Comment: In summary, the available evidence is currently insufficient to determine the role of this variant in disease. Therefore, it has been classified as a Variant of Uncertain Significance. Algorithms developed to predict the effect of sequence changes on RNA splicing suggest that this variant may create or strengthen a splice site. Advanced modeling of protein sequence and biophysical properties (such as structural, functional, and spatial information, amino acid conservation, physicochemical variation, residue mobility, and thermodynamic stability) performed at Invitae indicates that this missense variant is expected to disrupt TBC1D24 protein function. ClinVar contains an entry for this variant (Variation ID: 654401). This variant has not been reported in the literature in individuals affected with TBC1D24-related conditions. This variant is not present in population databases (gnomAD no frequency). This sequence change replaces arginine, which is basic and polar, with glycine, which is neutral and non-polar, at codon 441 of the TBC1D24 protein (p.Arg441Gly).